The following is an entry in ClinVar:

ClinVar aggregate classification (germline): Uncertain significance (1 of 4 stars; one submission).

Conditions:
Inborn genetic diseases. Identifiers: MedGen C0950123, MeSH D030342.

Submission:

Ambry Genetics
Classification: Uncertain significance for Inborn genetic diseases. Last evaluated: 2026-07-06. Review status: criteria provided, single submitter. Criteria: Ambry Variant Classification Scheme 2023. Collection method: clinical testing. Allele origin: germline.
Comment: The p.A110P variant (also known as c.328G>C), located in coding exon 2 of the GATA2 gene, results from a G to C substitution at nucleotide position 328. The alanine at codon 110 is replaced by proline, an amino acid with highly similar properties. This amino acid position is conserved. In addition, the in silico prediction for this alteration is inconclusive. Based on the available evidence, the clinical significance of this variant remains unclear.

NM_032638.5(GATA2):c.328G>C (p.Ala110Pro)

Gene: GATA2 (GATA binding protein 2; minus strand). Cytogenetic location: 3q21.3.
Variant type: single nucleotide variant.
Coding change: c.328G>C on transcript NM_032638.5 (MANE Select); coding-DNA position 328, G replaced by C.
Protein change: p.Ala110Pro; replaces alanine 110 with proline.
Molecular consequence: missense variant.
Genome position (GRCh38, 1-based): chr3:128,486,270, C>G on the plus strand (G>C on the coding strand, the complement: GATA2 is on the minus strand). VCF-style: chr3-128486270-C-G. GRCh37 (hg19) VCF-style: chr3-128205113-C-G.
Other names: c.328G>C, p.Ala110Pro (NM_001145661.2, NM_001145662.1); short protein forms A110P.
Identifiers: ClinVar variation 5022196 (VCV005022196.1).
Genomic context (GRCh38, chr3:128,486,270, plus strand): 5'-CTGAGGGGTGCAGTGGCGTCTTGGAGAAGGGGCTCACGGTCCAGGGGTTGTGGTGGTGGG[C>G]CGCAGCGGCAGAGAGGGCTGCTTTGCCCCCGTCCAGCCAGGGCAAACCCGGGCTGTGCAA-3'
Protein context (NP_116027.2, residues 100-120): GGKAALSAAA[Ala110Pro]HHHNPWTVSP